The following is an entry in ClinVar:

NM_001271.4(CHD2):c.3427T>G (p.Tyr1143Asp)

Gene: CHD2 (chromodomain helicase DNA binding protein 2; plus strand). Cytogenetic location: 15q26.1.
Variant type: single nucleotide variant.
Coding change: c.3427T>G on transcript NM_001271.4 (MANE Select); coding-DNA position 3427, T replaced by G.
Protein change: p.Tyr1143Asp; replaces tyrosine 1143 with aspartic acid.
Molecular consequence: missense variant.
Genome position (GRCh38, 1-based): chr15:92,991,489, T>G. VCF-style: chr15-92991489-T-G. GRCh37 (hg19) VCF-style: chr15-93534719-T-G.
Other names: short protein forms Y1143D.
Identifiers: ClinVar variation 2429797 (VCV002429797.4), dbSNP rs2505576939, ClinGen allele CA393896065.
Genomic context (GRCh38, chr15:92,991,489, plus strand): 5'-AAGTAAGTCTCTGTTTTTTTAATATGTTTTATTGATCCTATTCTTAGGTTCATCAAGGCT[T>G]ATAAGAAGTTTGGTCTCCCTCTTGAACGGTAAGTTCAGTGTAATAGTCCCTTATCTTCCT-3'
Protein context (NP_001262.3, residues 1133-1153): DAEIRRFIKA[Tyr1143Asp]KKFGLPLERL

ClinVar aggregate classification (germline): Conflicting classifications of pathogenicity. Review status: criteria provided, conflicting classifications (1 of 4 stars). 2 submissions from 2 submitters: Likely pathogenic (1); Uncertain significance (1). Last evaluated 2025-01-06.

Conditions:
Developmental and epileptic encephalopathy 94 (DEE94). Also called: Epileptic encephalopathy, childhood-onset; CHD2-Related Neurodevelopmental Disorders. Identifiers: Orphanet 1942, Orphanet 2382, MedGen C3809278, MONDO:0014150, OMIM 615369.
Autism spectrum disorder. Also called: Autism spectrum disorders. Identifiers: MedGen C1510586, MeSH D000067877, MONDO:0005258.

Submissions (2):

Labcorp Genetics (formerly Invitae), Labcorp
Classification: Uncertain significance for Developmental and epileptic encephalopathy 94. Last evaluated: 2025-01-06. Review status: criteria provided, single submitter. Criteria: Invitae Variant Classification Sherloc (09022015). Collection method: clinical testing. Allele origin: germline.
Comment: This sequence change replaces tyrosine, which is neutral and polar, with aspartic acid, which is acidic and polar, at codon 1143 of the CHD2 protein (p.Tyr1143Asp). This variant is not present in population databases (gnomAD no frequency). This variant has not been reported in the literature in individuals affected with CHD2-related conditions. ClinVar contains an entry for this variant (Variation ID: 2429797). Invitae Evidence Modeling of protein sequence and biophysical properties (such as structural, functional, and spatial information, amino acid conservation, physicochemical variation, residue mobility, and thermodynamic stability) has been performed for this missense variant. However, the output from this modeling did not meet the statistical confidence thresholds required to predict the impact of this variant on CHD2 protein function. In summary, the available evidence is currently insufficient to determine the role of this variant in disease. Therefore, it has been classified as a Variant of Uncertain Significance.

Department of Genetics, Rouen University Hospital, Normandy Center for Genomic and Personalized Medicine
Classification: Likely pathogenic for Autism spectrum disorder. Last evaluated: 2020-11-20. Review status: criteria provided, single submitter. Criteria: ACMG Guidelines, 2015. Collection method: clinical testing. Allele origin: de novo. Affected: yes.